The following is an entry in ClinVar:

NM_004999.4(MYO6):c.3537C>T (p.Ala1179=)

Gene: MYO6 (myosin VI; plus strand). Cytogenetic location: 6q14.1.
Variant type: single nucleotide variant.
Coding change: c.3537C>T on transcript NM_004999.4 (MANE Select); coding-DNA position 3537, C replaced by T.
Protein change: p.Ala1179=; no amino-acid change (alanine 1179 retained).
Molecular consequence: synonymous variant. On other transcripts: non-coding transcript variant (1).
Genome position (GRCh38, 1-based): chr6:75,914,160, C>T. VCF-style: chr6-75914160-C-T. GRCh37 (hg19) VCF-style: chr6-76623877-C-T.
Other names: c.3468C>T, p.Ala1156= (NM_001300899.2); c.3441C>T, p.Ala1147= (NM_001368136.1); c.3498C>T, p.Ala1166= (NM_001368137.1); c.3453C>T, p.Ala1151= (NM_001368138.1); c.3564C>T, p.Ala1188= (NM_001368865.1); c.3537C>T, p.Ala1179= (NM_001368866.1).
Identifiers: ClinVar variation 45157 (VCV000045157.9), dbSNP rs371212410, ClinGen allele CA135631.

ClinVar aggregate classification (germline): Likely benign. Review status: criteria provided, multiple submitters, no conflicts (2 of 4 stars). 3 submissions from 3 submitters: Likely benign (3). Last evaluated 2025-05-25.

Allele frequency attached by ClinVar (database versions not stated): gnomAD 0.00006; TOPMed 0.00006; gnomAD exomes 0.00007 and 0.00012; ESP Exome Variant Server 0.00015; ExAC 0.00018.
gnomAD v4.1: 116 of 1,613,958 alleles (0.0072%); highest among the groups gnomAD compares: Admixed American, 0.012%; no homozygotes.

Submissions (3):

Labcorp Genetics (formerly Invitae), Labcorp
Classification: Likely benign. Last evaluated: 2025-05-25. Review status: criteria provided, single submitter. Criteria: Invitae Variant Classification Sherloc (09022015). Collection method: clinical testing. Allele origin: germline.

Blueprint Genetics
Classification: Likely benign. Last evaluated: 2024-01-11. Review status: criteria provided, single submitter. Criteria: ACMG Guidelines, 2015. Collection method: clinical testing. Allele origin: germline.

Laboratory for Molecular Medicine, Mass General Brigham Personalized Medicine
Classification: Likely benign. Last evaluated: 2011-07-28. Review status: criteria provided, single submitter. Criteria: LMM Criteria. Collection method: clinical testing. Allele origin: germline. Observed: 2 variant alleles.
Comment: Ala1179Ala in exon 34 of MYO6: This variant is not expected to have clinical sig nificance because it does not alter an amino acid residue and is not located nea r a splice junction.